The following is an entry in ClinVar:

ClinVar aggregate classification (germline): Pathogenic/Likely pathogenic. Review status: criteria provided, multiple submitters, no conflicts (2 of 4 stars). 2 submissions from 2 submitters: Pathogenic (1); Likely pathogenic (1). Last evaluated 2023-02-02.

Conditions:
COL4A5-related disorder. Also called: COL4A5-related condition.

Submissions (3):

PreventionGenetics, part of Exact Sciences
Classification: Likely pathogenic for COL4A5-related condition. Last evaluated: 2023-02-02. Review status: criteria provided, single submitter. Criteria: ACMG Guidelines, 2015. Collection method: clinical testing. Allele origin: germline.
Comment: The COL4A5 c.385-2A>G variant is predicted to disrupt the AG splice acceptor site and interfere with normal splicing. To our knowledge, this variant has not been reported in the literature or in a large population database, indicating this variant is rare. Variants that disrupt the consensus splice acceptor site in COL4A5 are expected to be pathogenic. This variant is interpreted as likely pathogenic.

Labcorp Genetics (formerly Invitae), Labcorp
Classification: Pathogenic. Last evaluated: 2020-03-23. Review status: criteria provided, single submitter. Criteria: Invitae Variant Classification Sherloc (09022015). Collection method: clinical testing. Allele origin: germline.
Comment: Algorithms developed to predict the effect of sequence changes on RNA splicing suggest that this variant may disrupt the consensus splice site, but this prediction has not been confirmed by published transcriptional studies. Donor and acceptor splice site variants typically lead to a loss of protein function (PMID: 16199547), and loss-of-function variants in COL4A5 are known to be pathogenic (PMID: 9195222, 10752524, 14514738, 24854265, 26809805). For these reasons, this variant has been classified as Pathogenic. This variant is not present in population databases (ExAC no frequency). This sequence change affects an acceptor splice site in intron 6 of the COL4A5 gene. It is expected to disrupt RNA splicing and likely results in an absent or disrupted protein product. Disruption of this splice site has been observed in individual(s) with clinical features of Alport syndrome (PMID: 22921432, 29959198, 11462238).

Dr. Peter K. Rogan Lab, Western University
No classification provided (evidence only). Condition: Nonpapillary renal cell carcinoma. Review status: no classification provided. Collection method: in vitro. Allele origin: not applicable. Functional consequence: retained intron. Not counted in ClinVar's aggregate classification.

Literature cited by the submitters: PubMed 16199547 (cited by Labcorp Genetics (formerly Invitae), Labcorp); PubMed 9195222 (cited by Labcorp Genetics (formerly Invitae), Labcorp); PubMed 10752524 (cited by Labcorp Genetics (formerly Invitae), Labcorp); PubMed 14514738 (cited by Labcorp Genetics (formerly Invitae), Labcorp); PubMed 24854265 (cited by Labcorp Genetics (formerly Invitae), Labcorp); PubMed 26809805 (cited by Labcorp Genetics (formerly Invitae), Labcorp); PubMed 22921432 (cited by Labcorp Genetics (formerly Invitae), Labcorp); PubMed 29959198 (cited by Labcorp Genetics (formerly Invitae), Labcorp); PubMed 11462238 (cited by Labcorp Genetics (formerly Invitae), Labcorp).

NM_033380.3(COL4A5):c.385-2A>G

Gene: COL4A5 (collagen type IV alpha 5 chain; plus strand). Cytogenetic location: Xq22.3.
Variant type: single nucleotide variant.
Coding change: c.385-2A>G on transcript NM_033380.3 (MANE Select); the canonical splice acceptor site of the intron before coding-DNA position 385, A replaced by G.
Molecular consequence: splice acceptor variant.
Genome position (GRCh38, 1-based): chrX:108,571,411, A>G. VCF-style: chrX-108571411-A-G. GRCh37 (hg19) VCF-style: chrX-107814641-A-G.
Other names: c.385-2A>G (NM_000495.5).
Identifiers: ClinVar variation 841674 (VCV000841674.13), dbSNP rs2066062676, ClinGen allele CA413919704.
Genomic context (GRCh38, chrX:108,571,411, plus strand): 5'-TGATGGTATAGTTATTCTTTGTTTCTTGTTCCTCCATGCTCTTTATTTTTAACTCCTTCT[A>G]GGGAGAACGTGGATTTCCAGGCAGTCCCGGTTTTCCTGGTTTACAGGGTCCTCCAGTAAG-3'